The following is an entry in ClinVar:

NM_020366.4(RPGRIP1):c.128G>A (p.Arg43Gln)

Gene: RPGRIP1 (RPGR interacting protein 1; plus strand). Cytogenetic location: 14q11.2.
Variant type: single nucleotide variant.
Coding change: c.128G>A on transcript NM_020366.4 (MANE Select); coding-DNA position 128, G replaced by A.
Protein change: p.Arg43Gln; replaces arginine 43 with glutamine.
Molecular consequence: missense variant.
Genome position (GRCh38, 1-based): chr14:21,294,719, G>A. VCF-style: chr14-21294719-G-A. GRCh37 (hg19) VCF-style: chr14-21762878-G-A.
Other names: short protein forms R43Q.
Identifiers: ClinVar variation 853730 (VCV000853730.7), dbSNP rs762187880, ClinGen allele CA7088574.

ClinVar aggregate classification (germline): Uncertain significance (1 of 4 stars; one submission).

Conditions:
Leber congenital amaurosis 6 (LCA6). Identifiers: Orphanet 65, MedGen C1854260, MONDO:0013446, OMIM 613826.
Cone-rod dystrophy 13 (CORD13). Identifiers: Orphanet 1872, MedGen C2750720, MONDO:0011987, OMIM 608194.

Allele frequency attached by ClinVar (database versions not stated): gnomAD 0.00001; TOPMed 0.00002.

Submission:

Labcorp Genetics (formerly Invitae), Labcorp
Classification: Uncertain significance for Leber congenital amaurosis 6; Cone-rod dystrophy 13. Last evaluated: 2024-01-31. Review status: criteria provided, single submitter. Criteria: Invitae Variant Classification Sherloc (09022015). Collection method: clinical testing. Allele origin: germline.
Comment: This sequence change replaces arginine, which is basic and polar, with glutamine, which is neutral and polar, at codon 43 of the RPGRIP1 protein (p.Arg43Gln). This variant is present in population databases (rs762187880, gnomAD 0.003%). This variant has not been reported in the literature in individuals affected with RPGRIP1-related conditions. ClinVar contains an entry for this variant (Variation ID: 853730). Advanced modeling of protein sequence and biophysical properties (such as structural, functional, and spatial information, amino acid conservation, physicochemical variation, residue mobility, and thermodynamic stability) performed at Invitae indicates that this missense variant is not expected to disrupt RPGRIP1 protein function with a negative predictive value of 80%. In summary, the available evidence is currently insufficient to determine the role of this variant in disease. Therefore, it has been classified as a Variant of Uncertain Significance.